The following is an entry in ClinVar:

ClinVar aggregate classification (germline): Uncertain significance (1 of 4 stars; one submission).

Allele frequency attached by ClinVar (database versions not stated): gnomAD exomes below 0.00001.
gnomAD v4.1: 1 of 1,546,870 alleles (0.000065%); highest among the groups gnomAD compares: Non-Finnish European, 0.000087%; no homozygotes.

Submission:

Labcorp Genetics (formerly Invitae), Labcorp
Classification: Uncertain significance. Last evaluated: 2019-04-18. Review status: criteria provided, single submitter. Criteria: Invitae Variant Classification Sherloc (09022015). Collection method: clinical testing. Allele origin: germline.
Comment: This sequence change replaces phenylalanine with leucine at codon 200 of the CPLANE1 protein (p.Phe200Leu). The phenylalanine residue is weakly conserved and there is a small physicochemical difference between phenylalanine and leucine. This variant is not present in population databases (ExAC no frequency). This variant has not been reported in the literature in individuals with CPLANE1-related conditions. Algorithms developed to predict the effect of missense changes on protein structure and function are either unavailable or do not agree on the potential impact of this missense change (SIFT: "Deleterious"; PolyPhen-2: "Benign"; Align-GVGD: "Class C0"). In summary, the available evidence is currently insufficient to determine the role of this variant in disease. Therefore, it has been classified as a Variant of Uncertain Significance.

NM_001384732.1(CPLANE1):c.598T>C (p.Phe200Leu)

Gene: CPLANE1 (ciliogenesis and planar polarity effector complex subunit 1; minus strand). Cytogenetic location: 5p13.2.
Variant type: single nucleotide variant.
Coding change: c.598T>C on transcript NM_001384732.1 (MANE Select); coding-DNA position 598, T replaced by C.
Protein change: p.Phe200Leu; replaces phenylalanine 200 with leucine.
Molecular consequence: missense variant.
Genome position (GRCh38, 1-based): chr5:37,243,092, A>G on the plus strand (T>C on the coding strand, the complement: CPLANE1 is on the minus strand). VCF-style: chr5-37243092-A-G. GRCh37 (hg19) VCF-style: chr5-37243194-A-G.
Other names: c.598T>C, p.Phe200Leu (NM_023073.4); short protein forms F200L.
Identifiers: ClinVar variation 948129 (VCV000948129.1), dbSNP rs1800931831, ClinGen allele CA359519569.